The following is an entry in ClinVar:

ClinVar aggregate classification (germline): Conflicting classifications of pathogenicity. Review status: criteria provided, conflicting classifications (1 of 4 stars). 4 submissions from 4 submitters: Uncertain significance (3); Likely benign (1). Last evaluated 2025-08-07.

Conditions:
Inborn genetic diseases. Identifiers: MedGen C0950123, MeSH D030342.
Nemaline myopathy 2 (NEM2). Also called: Nemaline myopathy 2, autosomal recessive. Identifiers: MedGen C1850569, MONDO:0009725, OMIM 256030.

Allele frequency attached by ClinVar (database versions not stated): ExAC 0.00002; gnomAD 0.00002 and 0.00003; gnomAD exomes 0.00003 and 0.00005; TOPMed 0.00003.
gnomAD v4.1: 78 of 1,613,520 alleles (0.0048%); highest among the groups gnomAD compares: Non-Finnish European, 0.0056%; no homozygotes.

Submissions (4):

Ambry Genetics
Classification: Uncertain significance for Inborn genetic diseases. Last evaluated: 2025-08-07. Review status: criteria provided, single submitter. Criteria: Ambry Variant Classification Scheme 2023. Collection method: clinical testing. Allele origin: germline.

Labcorp Genetics (formerly Invitae), Labcorp
Classification: Likely benign for Nemaline myopathy 2. Last evaluated: 2024-12-19. Review status: criteria provided, single submitter. Criteria: Invitae Variant Classification Sherloc (09022015). Collection method: clinical testing. Allele origin: germline.

Revvity Omics, Revvity
Classification: Uncertain significance. Last evaluated: 2022-10-04. Review status: criteria provided, single submitter. Criteria: ACMG Guidelines, 2015. Collection method: clinical testing. Allele origin: germline.

GeneDx
Classification: Uncertain significance. Last evaluated: 2021-12-20. Review status: criteria provided, single submitter. Criteria: GeneDx Variant Classification Process June 2021. Collection method: clinical testing. Allele origin: germline. Affected: yes.
Comment: Not observed at significant frequency in large population cohorts (Lek et al., 2016); In silico analysis supports that this missense variant has a deleterious effect on protein structure/function; Has not been previously published as pathogenic or benign to our knowledge

NM_001164508.2(NEB):c.5149C>T (p.Arg1717Cys)

Gene: NEB (nebulin; minus strand). Cytogenetic location: 2q23.3.
Variant type: single nucleotide variant.
Coding change: c.5149C>T on transcript NM_001164508.2 (MANE Select); coding-DNA position 5149, C replaced by T.
Protein change: p.Arg1717Cys; replaces arginine 1717 with cysteine.
Molecular consequence: missense variant.
Genome position (GRCh38, 1-based): chr2:151,665,422, G>A on the plus strand (C>T on the coding strand, the complement: NEB is on the minus strand). VCF-style: chr2-151665422-G-A. GRCh37 (hg19) VCF-style: chr2-152521936-G-A.
Other names: c.5149C>T, p.Arg1717Cys (NM_001164507.2, NM_001271208.2, NM_004543.5); c.5149C>T (NM_004543.4); short protein forms R1717C.
Identifiers: ClinVar variation 1331178 (VCV001331178.9), dbSNP rs769725005, ClinGen allele CA1910444.
Genomic context (GRCh38, chr2:151,665,422, plus strand): 5'-TAAGTGCCTGTTCCATTGTGTCCATGGCGTAAGTGAACTTCAGCTTCTCGGGGTGCTGGC[G>A]ATACTTCTTCTCACTAAGAATCTCTCCTGCTTTCTTTGCCTTCTCCACCTCCAGGGACTC-3'
Protein context (NP_001157980.2, residues 1707-1727): AGEILSEKKY[Arg1717Cys]QHPEKLKFTY